The following is an entry in ClinVar:

NM_000466.3(PEX1):c.3371A>G (p.Asn1124Ser)

Genes: GATAD1 (GATA zinc finger domain containing 1; plus strand), PEX1 (peroxisomal biogenesis factor 1; minus strand). Cytogenetic location: 7q21.2.
Variant type: single nucleotide variant.
Coding change: c.3371A>G on transcript NM_000466.3 (MANE Select); coding-DNA position 3371, A replaced by G.
Protein change: p.Asn1124Ser; replaces asparagine 1124 with serine.
Molecular consequence: missense variant.
Genome position (GRCh38, 1-based): chr7:92,491,339, T>C on the plus strand (A>G on the coding strand, the complement: PEX1 is on the minus strand). VCF-style: chr7-92491339-T-C. GRCh37 (hg19) VCF-style: chr7-92120653-T-C.
Other names: c.3200A>G, p.Asn1067Ser (NM_001282677.2); c.2747A>G, p.Asn916Ser (NM_001282678.2); short protein forms N1124S, N1067S, N916S.
Identifiers: ClinVar variation 498032 (VCV000498032.19), dbSNP rs147870525, ClinGen allele CA4340846.
Genomic context (GRCh38, chr7:92,491,339, plus strand): 5'-GAAGAGGTTCCATTTCCAAGTTCTGATTCATAAGAGCTTCCAAAGTAGAGCCGGTACATA[T>C]TGAATTTTGATTCATCTGGAAGGATCTCGGACATCTCTAAAGAAACAAGGGACTGATCTA-3'
Protein context (NP_000457.1, residues 1114-1134): SEILPDESKF[Asn1124Ser]MYRLYFGSSY

ClinVar aggregate classification (germline): Conflicting classifications of pathogenicity. Review status: criteria provided, conflicting classifications (1 of 4 stars). 6 submissions from 6 submitters: Uncertain significance (2); Benign (1); Likely benign (1). 2 of the submissions do not count toward it. Last evaluated 2026-03-17.

Conditions:
PEX1-related disorder. Also called: PEX1-related condition.
Zellweger spectrum disorders (ZS). Also called: Zellweger syndrome; Zellweger Spectrum Disorder; Zellweger Spectrum; Zellweger Spectrum Disorder (ZSD). Identifiers: Orphanet 912, MedGen C0043459, MONDO:0019609.

Allele frequency attached by ClinVar (database versions not stated): gnomAD exomes 0.00010 and 0.00021; ExAC 0.00024; 1000 Genomes Project 30x 0.00047; 1000 Genomes Project 0.00060; gnomAD 0.00089 and 0.00096; TOPMed 0.00111; ESP Exome Variant Server 0.00131.

Submissions (6):

GeneDx
Classification: Uncertain significance. Last evaluated: 2026-03-17. Review status: criteria provided, single submitter. Criteria: GeneDx Variant Classification Process June 2021. Collection method: clinical testing. Allele origin: germline.
Comment: In silico analysis supports a deleterious effect on splicing; In silico analysis suggests that this missense variant does not alter protein structure/function; Has not been previously published as pathogenic or benign to our knowledge

Labcorp Genetics (formerly Invitae), Labcorp
Classification: Benign for Zellweger spectrum disorders. Last evaluated: 2026-01-31. Review status: criteria provided, single submitter. Criteria: Invitae Variant Classification Sherloc (09022015). Collection method: clinical testing. Allele origin: germline.

Blueprint Genetics
Classification: Likely benign. Last evaluated: 2024-03-08. Review status: criteria provided, single submitter. Criteria: ACMG Guidelines, 2015. Collection method: clinical testing. Allele origin: germline.

Eurofins Ntd Llc (ga)
Classification: Uncertain significance. Last evaluated: 2018-06-07. Review status: criteria provided, single submitter. Criteria: EGL ClinVar v180209 classification definitions. Collection method: clinical testing. Allele origin: germline. Observed: 8 variant alleles, 8 heterozygotes.

PreventionGenetics, part of Exact Sciences
Classification: Likely benign for PEX1-related condition. Last evaluated: 2022-04-22. Review status: no assertion criteria provided. Collection method: clinical testing. Allele origin: germline. Not counted in ClinVar's aggregate classification.
Comment: This variant is classified as likely benign based on ACMG/AMP sequence variant interpretation guidelines (Richards et al. 2015 PMID: 25741868, with internal and published modifications).

Natera, Inc.
Classification: Benign for Zellweger syndrome. Last evaluated: 2019-06-19. Review status: no assertion criteria provided. Collection method: clinical testing. Allele origin: germline. Not counted in ClinVar's aggregate classification.